The following is an entry in ClinVar:

NM_000238.4(KCNH2):c.922A>G (p.Met308Val)

Gene: KCNH2 (potassium voltage-gated channel subfamily H member 2; minus strand). Cytogenetic location: 7q36.1.
Variant type: single nucleotide variant.
Coding change: c.922A>G on transcript NM_000238.4 (MANE Select); coding-DNA position 922, A replaced by G.
Protein change: p.Met308Val; replaces methionine 308 with valine.
Molecular consequence: missense variant. On other transcripts: non-coding transcript variant (1).
Genome position (GRCh38, 1-based): chr7:150,957,497, T>C on the plus strand (A>G on the coding strand, the complement: KCNH2 is on the minus strand). VCF-style: chr7-150957497-T-C. GRCh37 (hg19) VCF-style: chr7-150654585-T-C.
Other names: c.634A>G, p.Met212Val (NM_001406753.1, NM_001406756.1); c.745A>G, p.Met249Val (NM_001406755.1); c.622A>G, p.Met208Val (NM_001406757.1); c.922A>G, p.Met308Val (NM_172056.3); short protein forms M212V, M208V, M308V, M249V.
Identifiers: ClinVar variation 2735103 (VCV002735103.3), dbSNP rs1393487302, ClinGen allele CA369861951.
Genomic context (GRCh38, chr7:150,957,497, plus strand): 5'-GGTAGCGCACGAGGTCGGAGTCCGAGGTGGAGTTGAGCAAGCCGCTGCGCAGTGGGTGCA[T>C]GGCCCCTAGGTGGAGAGGCAGCGTGGTCAGGCCAGCAGCCCAGGGCCCCAGGCCAGGCAG-3'
Protein context (NP_000229.1, residues 298-318): PPPRHASTGA[Met308Val]HPLRSGLLNS

ClinVar aggregate classification (germline): Uncertain significance. Review status: criteria provided, multiple submitters, no conflicts (2 of 4 stars). 2 submissions from 2 submitters: Uncertain significance (2). Last evaluated 2023-10-30.

Conditions:
Long QT syndrome (LQTS). Identifiers: MedGen C0023976, MeSH D008133, MONDO:0002442. Disease mechanism: loss of function. Inheritance: Various modes of inheritance.
Cardiac arrhythmia. Also called: Arrhythmia; Cardiac rhythm disease. Identifiers: MedGen C0003811, MONDO:0007263, HP:0011675.

Allele frequency attached by ClinVar (database versions not stated): gnomAD exomes 0.00001.
gnomAD v4.1: 8 of 1,611,860 alleles (0.0005%); highest among the groups gnomAD compares: East Asian, 0.0045%; no homozygotes.

Submissions (2):

Color Diagnostics, LLC DBA Color Health
Classification: Uncertain significance for Cardiac arrhythmia. Last evaluated: 2023-10-30. Review status: criteria provided, single submitter. Criteria: ACMG Guidelines, 2015. Collection method: clinical testing. Allele origin: germline.
Comment: This missense variant replaces methionine with valine at codon 308 of the KCNH2 protein. Computational prediction is inconclusive regarding the impact of this variant on protein structure and function (internally defined REVEL score threshold 0.5 < inconclusive < 0.7, PMID: 27666373). To our knowledge, functional studies have not been reported for this variant. This variant has been reported in at least 1 proband affected with long QT syndrome (PMID: 26669661, 32893267), and in another few individuals whose clinical information was not provided (PMID: 37449562). This variant has not been identified in the general population by the Genome Aggregation Database (gnomAD). The available evidence is insufficient to determine the role of this variant in disease conclusively. Therefore, this variant is classified as a Variant of Uncertain Significance.

Labcorp Genetics (formerly Invitae), Labcorp
Classification: Uncertain significance for Long QT syndrome. Last evaluated: 2023-06-08. Review status: criteria provided, single submitter. Criteria: Invitae Variant Classification Sherloc (09022015). Collection method: clinical testing. Allele origin: germline.
Comment: In summary, the available evidence is currently insufficient to determine the role of this variant in disease. Therefore, it has been classified as a Variant of Uncertain Significance. Algorithms developed to predict the effect of missense changes on protein structure and function output the following: SIFT: "Not Available"; PolyPhen-2: "Benign"; Align-GVGD: "Not Available". The valine amino acid residue is found in multiple mammalian species, which suggests that this missense change does not adversely affect protein function. This missense change has been observed in individual(s) with long QT syndrome (PMID: 26669661). This variant is not present in population databases (gnomAD no frequency). This sequence change replaces methionine, which is neutral and non-polar, with valine, which is neutral and non-polar, at codon 308 of the KCNH2 protein (p.Met308Val).

Literature cited by the submitters: PubMed 26669661 (cited by Color Diagnostics, LLC DBA Color Health and Labcorp Genetics (formerly Invitae), Labcorp); PubMed 32893267 (cited by Color Diagnostics, LLC DBA Color Health); PubMed 37449562 (cited by Color Diagnostics, LLC DBA Color Health).